The following is an entry in ClinVar:

NM_000017.4(ACADS):c.293A>G (p.Tyr98Cys)

Gene: ACADS (acyl-CoA dehydrogenase short chain; plus strand). Cytogenetic location: 12q24.31.
Variant type: single nucleotide variant.
Coding change: c.293A>G on transcript NM_000017.4 (MANE Select); coding-DNA position 293, A replaced by G.
Protein change: p.Tyr98Cys; replaces tyrosine 98 with cysteine.
Molecular consequence: missense variant.
Genome position (GRCh38, 1-based): chr12:120,737,068, A>G. VCF-style: chr12-120737068-A-G. GRCh37 (hg19) VCF-style: chr12-121174871-A-G.
Other names: c.293A>G, p.Tyr98Cys (NM_001302554.2); short protein forms Y98C.
Identifiers: ClinVar variation 5018626 (VCV005018626.2).

ClinVar aggregate classification (germline): Likely pathogenic (1 of 4 stars; one submission).

Conditions:
Deficiency of butyryl-CoA dehydrogenase (ACADSD). Also called: SCAD Deficiency; SCADH DEFICIENCY; ACADS DEFICIENCY; SCAD DEFICIENCY, MILD; ACYL-CoA DEHYDROGENASE, SHORT-CHAIN, DEFICIENCY OF; Short-Chain Acyl-CoA Dehydrogenase Deficiency. Identifiers: Orphanet 26792, MedGen C0342783, MONDO:0008722, OMIM 201470. Disease mechanism: May be benign.

Submission:

Juno Genomics, Hangzhou Juno Genomics, Inc
Classification: Likely pathogenic for Deficiency of butyryl-CoA dehydrogenase. Review status: criteria provided, single submitter. Criteria: ACMG Guidelines, 2015. Collection method: clinical testing. Allele origin: germline.
Comment: Absent from controls (or at extremely low frequency if recessive) in Genome Aggregation Database.;Multiple lines of computational evidence support a deleterious effect on the gene or gene product.;For recessive disorders, detected in trans with a pathogenic variant.